The following is an entry in ClinVar:

NM_000400.4(ERCC2):c.755C>T (p.Thr252Ile)

Gene: ERCC2 (ERCC excision repair 2, TFIIH core complex helicase subunit; minus strand). Cytogenetic location: 19q13.32.
Variant type: single nucleotide variant.
Coding change: c.755C>T on transcript NM_000400.4 (MANE Select); coding-DNA position 755, C replaced by T.
Protein change: p.Thr252Ile; replaces threonine 252 with isoleucine.
Molecular consequence: missense variant.
Genome position (GRCh38, 1-based): chr19:45,364,295, G>A on the plus strand (C>T on the coding strand, the complement: ERCC2 is on the minus strand). VCF-style: chr19-45364295-G-A. GRCh37 (hg19) VCF-style: chr19-45867553-G-A.
Other names: c.683C>T, p.Thr228Ile (NM_001130867.2); short protein forms T228I, T252I.
Identifiers: ClinVar variation 1759513 (VCV001759513.3), dbSNP rs1972342009, ClinGen allele CA406374170.

ClinVar aggregate classification (germline): Uncertain significance (1 of 4 stars; one submission).

Conditions:
Inborn genetic diseases. Identifiers: MedGen C0950123, MeSH D030342.

Submission:

Ambry Genetics
Classification: Uncertain significance for Inborn genetic diseases. Last evaluated: 2022-10-31. Review status: criteria provided, single submitter. Criteria: Ambry Variant Classification Scheme 2023. Collection method: clinical testing. Allele origin: germline.
Comment: The p.T252I variant (also known as c.755C>T), located in coding exon 9 of the ERCC2 gene, results from a C to T substitution at nucleotide position 755. The threonine at codon 252 is replaced by isoleucine, an amino acid with similar properties. This amino acid position is conserved. In addition, this alteration is predicted to be deleterious by in silico analysis. Since supporting evidence is limited at this time, the clinical significance of this alteration remains unclear.